The following is an entry in ClinVar:

ClinVar aggregate classification (germline): Uncertain significance (1 of 4 stars; one submission).

Submission:

Labcorp Genetics (formerly Invitae), Labcorp
Classification: Uncertain significance. Last evaluated: 2024-10-29. Review status: criteria provided, single submitter. Criteria: Invitae Variant Classification Sherloc (09022015). Collection method: clinical testing. Allele origin: germline.
Comment: This sequence change replaces glutamine, which is neutral and polar, with glutamic acid, which is acidic and polar, at codon 436 of the C1S protein (p.Gln436Glu). This variant is not present in population databases (gnomAD no frequency). This variant has not been reported in the literature in individuals affected with C1S-related conditions. ClinVar contains an entry for this variant (Variation ID: 1379955). Invitae Evidence Modeling of protein sequence and biophysical properties (such as structural, functional, and spatial information, amino acid conservation, physicochemical variation, residue mobility, and thermodynamic stability) indicates that this missense variant is not expected to disrupt C1S protein function with a negative predictive value of 80%. In summary, the available evidence is currently insufficient to determine the role of this variant in disease. Therefore, it has been classified as a Variant of Uncertain Significance.

NM_001734.5(C1S):c.1306C>G (p.Gln436Glu)

Gene: C1S (complement C1s; plus strand). Cytogenetic location: 12p13.31.
Variant type: single nucleotide variant.
Coding change: c.1306C>G on transcript NM_001734.5 (MANE Select); coding-DNA position 1306, C replaced by G.
Protein change: p.Gln436Glu; replaces glutamine 436 with glutamic acid.
Molecular consequence: missense variant.
Genome position (GRCh38, 1-based): chr12:7,069,890, C>G. VCF-style: chr12-7069890-C-G. GRCh37 (hg19) VCF-style: chr12-7177194-C-G.
Other names: c.805C>G, p.Gln269Glu (NM_001346850.2); c.1306C>G, p.Gln436Glu (NM_201442.4); short protein forms Q269E, Q436E.
Identifiers: ClinVar variation 1379955 (VCV001379955.6), dbSNP rs2135729357, ClinGen allele CA383702984.